The following is an entry in ClinVar:

NM_001379270.1(CNGA1):c.832T>A (p.Phe278Ile)

Genes: CNGA1 (cyclic nucleotide gated channel subunit alpha 1; minus strand), LOC101927157 (uncharacterized LOC101927157; plus strand). Cytogenetic location: 4p12.
Variant type: single nucleotide variant.
Coding change: c.832T>A on transcript NM_001379270.1 (MANE Select); coding-DNA position 832, T replaced by A.
Protein change: p.Phe278Ile; replaces phenylalanine 278 with isoleucine.
Molecular consequence: missense variant.
Genome position (GRCh38, 1-based): chr4:47,937,650, A>T on the plus strand (T>A on the coding strand, the complement: CNGA1 is on the minus strand). VCF-style: chr4-47937650-A-T. GRCh37 (hg19) VCF-style: chr4-47939667-A-T.
Other names: c.844T>A (NM_000087.3); c.832T>A, p.Phe278Ile (NM_000087.5, NM_001142564.2); short protein forms F278I.
Identifiers: ClinVar variation 1133209 (VCV001133209.11), dbSNP rs138053512, ClinGen allele CA2911180.

ClinVar aggregate classification (germline): Likely benign. Review status: criteria provided, multiple submitters, no conflicts (2 of 4 stars). 3 submissions from 3 submitters: Likely benign (3). Last evaluated 2026-03-20.

Conditions:
CNGA1-related disorder. Also called: CNGA1-related condition.

Allele frequency attached by ClinVar (database versions not stated): TOPMed 0.00006; gnomAD 0.00011 and 0.00012; gnomAD exomes 0.00018; ExAC 0.00020; 1000 Genomes Project 0.00040; 1000 Genomes Project 30x 0.00062.
gnomAD v4.1: 58 of 1,614,164 alleles (0.0036%); highest among the groups gnomAD compares: East Asian, 0.12%; no homozygotes.

Submissions (3):

PreventionGenetics, part of Exact Sciences
Classification: Likely benign for CNGA1-related condition. Last evaluated: 2026-03-20. Review status: criteria provided, single submitter. Criteria: ACMG Guidelines, 2015. Collection method: clinical testing. Allele origin: germline.
Comment: This variant is classified as likely benign based on ACMG/AMP sequence variant interpretation guidelines (Richards et al. 2015 PMID: 25741868, with internal and published modifications).

Labcorp Genetics (formerly Invitae), Labcorp
Classification: Likely benign. Last evaluated: 2026-01-17. Review status: criteria provided, single submitter. Criteria: Invitae Variant Classification Sherloc (09022015). Collection method: clinical testing. Allele origin: germline.

Blueprint Genetics
Classification: Likely benign. Last evaluated: 2023-07-07. Review status: criteria provided, single submitter. Criteria: ACMG Guidelines, 2015. Collection method: clinical testing. Allele origin: germline.